The following is an entry in ClinVar:

ClinVar aggregate classification (germline): Pathogenic/Likely pathogenic. Review status: criteria provided, multiple submitters, no conflicts (2 of 4 stars). 2 submissions from 2 submitters: Pathogenic (1); Likely pathogenic (1). Last evaluated 2024-02-29.

Conditions:
Bardet-Biedl syndrome 5 (BBS5). Identifiers: Orphanet 110, MedGen C3892039, MONDO:0014434, OMIM 615983.
Bardet-Biedl syndrome (BBS). Identifiers: Orphanet 110, MedGen C0752166, MONDO:0015229.

Allele frequency attached by ClinVar (database versions not stated): gnomAD exomes below 0.00001 and 0.00001.
gnomAD v4.1: 2 of 1,605,324 alleles (0.00012%); highest among the groups gnomAD compares: Non-Finnish European, 0.00017%; no homozygotes.

Submissions (2):

Labcorp Genetics (formerly Invitae), Labcorp
Classification: Likely pathogenic for Bardet-Biedl syndrome. Last evaluated: 2024-02-29. Review status: criteria provided, single submitter. Criteria: Invitae Variant Classification Sherloc (09022015). Collection method: clinical testing. Allele origin: germline.
Comment: This sequence change affects an acceptor splice site in intron 3 of the BBS5 gene. It is expected to disrupt RNA splicing. Variants that disrupt the donor or acceptor splice site typically lead to a loss of protein function (PMID: 16199547), and loss-of-function variants in BBS5 are known to be pathogenic (PMID: 15137946, 16877420, 26325687, 27708425, 28041643, 29806606). This variant is present in population databases (no rsID available, gnomAD 0.002%). This variant has not been reported in the literature in individuals affected with BBS5-related conditions. ClinVar contains an entry for this variant (Variation ID: 1685564). Algorithms developed to predict the effect of sequence changes on RNA splicing suggest that this variant may disrupt the consensus splice site. In summary, the currently available evidence indicates that the variant is pathogenic, but additional data are needed to prove that conclusively. Therefore, this variant has been classified as Likely Pathogenic.

Mendelics
Classification: Pathogenic for Bardet-Biedl syndrome 5. Last evaluated: 2022-05-04. Review status: criteria provided, single submitter. Criteria: Mendelics Assertion Criteria 2019. Collection method: clinical testing. Allele origin: germline.

Literature cited by the submitters: PubMed 16199547 (cited by Labcorp Genetics (formerly Invitae), Labcorp); PubMed 15137946 (cited by Labcorp Genetics (formerly Invitae), Labcorp); PubMed 16877420 (cited by Labcorp Genetics (formerly Invitae), Labcorp); PubMed 26325687 (cited by Labcorp Genetics (formerly Invitae), Labcorp); PubMed 27708425 (cited by Labcorp Genetics (formerly Invitae), Labcorp); PubMed 28041643 (cited by Labcorp Genetics (formerly Invitae), Labcorp); PubMed 29806606 (cited by Labcorp Genetics (formerly Invitae), Labcorp).

NM_152384.3(BBS5):c.209-1G>A

Gene: BBS5 (Bardet-Biedl syndrome 5; plus strand). Cytogenetic location: 2q31.1.
Variant type: single nucleotide variant.
Coding change: c.209-1G>A on transcript NM_152384.3 (MANE Select); the canonical splice acceptor site of the intron before coding-DNA position 209, G replaced by A.
Molecular consequence: splice acceptor variant.
Genome position (GRCh38, 1-based): chr2:169,487,805, G>A. VCF-style: chr2-169487805-G-A. GRCh37 (hg19) VCF-style: chr2-170344315-G-A.
Identifiers: ClinVar variation 1685564 (VCV001685564.3), dbSNP rs1172161975, ClinGen allele CA349161314.
Genomic context (GRCh38, chr2:169,487,805, plus strand): 5'-AAAGTATTTTTTCTCAGTGTACCATATCATGCTCTTTACATTCTTTGCTTTTGGATTTTA[G>A]CTGTCGGTTACAATTGCATATTGAATATTACAACAAGGACTGCTAACTCTGTAAGTCTAA-3'